The following is an entry in ClinVar:

NM_173630.4(RTTN):c.4705A>G (p.Thr1569Ala)

Gene: RTTN (rotatin; minus strand). Cytogenetic location: 18q22.2.
Variant type: single nucleotide variant.
Coding change: c.4705A>G on transcript NM_173630.4 (MANE Select); coding-DNA position 4705, A replaced by G.
Protein change: p.Thr1569Ala; replaces threonine 1569 with alanine.
Molecular consequence: missense variant.
Genome position (GRCh38, 1-based): chr18:70,065,871, T>C on the plus strand (A>G on the coding strand, the complement: RTTN is on the minus strand). VCF-style: chr18-70065871-T-C. GRCh37 (hg19) VCF-style: chr18-67733107-T-C.
Other names: c.1969A>G, p.Thr657Ala (NM_001318520.2); short protein forms T1569A, T657A.
Identifiers: ClinVar variation 2084167 (VCV002084167.1), dbSNP rs779208143, ClinGen allele CA8995154.
Genomic context (GRCh38, chr18:70,065,871, plus strand): 5'-TCTTCACTAAAAGGATACCTTGAGCCACAAACTGGTCATGGGAGGCTTCAGGTAGAAGTG[T>C]TGTTGACTGCACAAGTGGCTGAAATTCAGTACTCCCCAATGAAGGTGCCACCTATGAATC-3'
Protein context (NP_775901.3, residues 1559-1579): TEFQPLVQST[Thr1569Ala]LLPEASHDQF

ClinVar aggregate classification (germline): Uncertain significance (1 of 4 stars; one submission).

Allele frequency attached by ClinVar (database versions not stated): gnomAD exomes below 0.00001; ExAC 0.00002.
gnomAD v4.1: 6 of 1,602,262 alleles (0.00037%); highest among the groups gnomAD compares: Admixed American, 0.0051%; no homozygotes.

Submission:

Labcorp Genetics (formerly Invitae), Labcorp
Classification: Uncertain significance. Last evaluated: 2022-06-30. Review status: criteria provided, single submitter. Criteria: Invitae Variant Classification Sherloc (09022015). Collection method: clinical testing. Allele origin: germline.
Comment: This sequence change replaces threonine, which is neutral and polar, with alanine, which is neutral and non-polar, at codon 1569 of the RTTN protein (p.Thr1569Ala). This variant is present in population databases (rs779208143, gnomAD 0.009%). This variant has not been reported in the literature in individuals affected with RTTN-related conditions. Algorithms developed to predict the effect of missense changes on protein structure and function output the following: SIFT: "Tolerated"; PolyPhen-2: "Benign"; Align-GVGD: "Class C0". The alanine amino acid residue is found in multiple mammalian species, which suggests that this missense change does not adversely affect protein function. In summary, the available evidence is currently insufficient to determine the role of this variant in disease. Therefore, it has been classified as a Variant of Uncertain Significance.